The following is an entry in ClinVar:

NM_030665.4(RAI1):c.2784G>A (p.Leu928=)

Gene: RAI1 (retinoic acid induced 1; plus strand). Cytogenetic location: 17p11.2.
Variant type: single nucleotide variant.
Coding change: c.2784G>A on transcript NM_030665.4 (MANE Select); coding-DNA position 2784, G replaced by A.
Protein change: p.Leu928=; no amino-acid change (leucine 928 retained).
Molecular consequence: synonymous variant.
Genome position (GRCh38, 1-based): chr17:17,795,732, G>A. VCF-style: chr17-17795732-G-A. GRCh37 (hg19) VCF-style: chr17-17699046-G-A.
Other names: c.2784G>A (NM_030665.3).
Identifiers: ClinVar variation 2920239 (VCV002920239.4), dbSNP rs763901224, ClinGen allele CA8418609.

ClinVar aggregate classification (germline): Likely benign. Review status: criteria provided, single submitter (1 of 4 stars). 2 submissions from 2 submitters: Likely benign (1). 1 of the submissions does not count toward it. Last evaluated 2026-01-13.

Conditions:
RAI1-related disorder. Also called: RAI1-related condition.

Allele frequency attached by ClinVar (database versions not stated): ExAC 0.00002; gnomAD exomes 0.00001; TOPMed 0.00001.
gnomAD v4.1: 18 of 1,613,408 alleles (0.0011%); highest among the groups gnomAD compares: Non-Finnish European, 0.0015%; no homozygotes.

Submissions (2):

Labcorp Genetics (formerly Invitae), Labcorp
Classification: Likely benign. Last evaluated: 2026-01-13. Review status: criteria provided, single submitter. Criteria: Invitae Variant Classification Sherloc (09022015). Collection method: clinical testing. Allele origin: germline.

PreventionGenetics, part of Exact Sciences
Classification: Likely benign for RAI1-related condition. Last evaluated: 2023-11-28. Review status: no assertion criteria provided. Collection method: clinical testing. Allele origin: germline. Not counted in ClinVar's aggregate classification.
Comment: This variant is classified as likely benign based on ACMG/AMP sequence variant interpretation guidelines (Richards et al. 2015 PMID: 25741868, with internal and published modifications).